The following is an entry in ClinVar:

ClinVar aggregate classification (germline): Likely benign. Review status: criteria provided, multiple submitters, no conflicts (2 of 4 stars). 2 submissions from 2 submitters: Likely benign (2). Last evaluated 2025-09-11.

Conditions:
Perlman syndrome (PRLMNS). Identifiers: Orphanet 2849, MedGen C0796113, MONDO:0009965, OMIM 267000.

gnomAD v4.1: 2 of 1,614,118 alleles (0.00012%); no homozygotes.

Submissions (2):

Labcorp Genetics (formerly Invitae), Labcorp
Classification: Likely benign for Perlman syndrome. Last evaluated: 2025-09-11. Review status: criteria provided, single submitter. Criteria: Invitae Variant Classification Sherloc (09022015). Collection method: clinical testing. Allele origin: germline.

CeGaT Center for Human Genetics Tuebingen
Classification: Likely benign. Last evaluated: 2024-02-01. Review status: criteria provided, single submitter. Criteria: CeGaT Center For Human Genetics Tuebingen Variant Classification Criteria Version 2. Collection method: clinical testing. Allele origin: germline. Affected: yes. Observed: 1 variant allele.
Comment: DIS3L2: PM2:Supporting, BP4, BP7

NM_152383.5(DIS3L2):c.558G>C (p.Leu186=)

Gene: DIS3L2 (DIS3 like 3'-5' exoribonuclease 2; plus strand). Cytogenetic location: 2q37.1.
Variant type: single nucleotide variant.
Coding change: c.558G>C on transcript NM_152383.5 (MANE Select); coding-DNA position 558, G replaced by C.
Protein change: p.Leu186=; no amino-acid change (leucine 186 retained).
Molecular consequence: synonymous variant. On other transcripts: non-coding transcript variant (2).
Genome position (GRCh38, 1-based): chr2:232,087,678, G>C. VCF-style: chr2-232087678-G-C. GRCh37 (hg19) VCF-style: chr2-232952388-G-C.
Other names: c.558G>C, p.Leu186= (NM_001257281.2, NM_001257282.2).
Identifiers: ClinVar variation 463120 (VCV000463120.30), dbSNP rs780991652, ClinGen allele CA431965700.